The following is an entry in ClinVar:

NM_007194.4(CHEK2):c.194_195del (p.Thr65fs)

Gene: CHEK2 (checkpoint kinase 2; minus strand). Cytogenetic location: 22q12.1.
Variant type: Deletion.
Coding change: c.194_195del on transcript NM_007194.4 (MANE Select); coding-DNA positions 194 to 195, 2 bases deleted (CA; older notation c.194_195delCA).
Protein change: p.Thr65fs; shifts the reading frame from threonine 65.
Molecular consequence: frameshift variant.
Genome position (GRCh38, 1-based): chr22:28,734,527-28,734,528, TG deleted on the plus strand (CA on the coding strand, the reverse complement: CHEK2 is on the minus strand); deleting any 2 consecutive bases within chr22:28,734,527-28,734,529 gives the same sequence; the c. name uses the placement nearest the transcript's 3' end. VCF-style (leftmost placement, unchanged base first): chr22-28734526-CTG-C. GRCh37 (hg19) VCF-style: chr22-29130514-CTG-C.
Other names: c.193_194delAC, p.Thr65Serfs (NM_001005735.3, NM_001349956.3, NM_145862.3); c.-585_-584delAC (NM_001257387.3); short protein forms T65fs.
Identifiers: ClinVar variation 840256 (VCV000840256.10), dbSNP rs2054321037, ClinGen allele CA916083811.

ClinVar aggregate classification (germline): Pathogenic. Review status: criteria provided, multiple submitters, no conflicts (2 of 4 stars). 2 submissions from 2 submitters: Pathogenic (2). Last evaluated 2023-06-22.

Conditions:
Familial cancer of breast. Also called: Hereditary breast cancer; hereditary breast carcinoma; BREAST CANCER, FAMILIAL. Identifiers: Orphanet 227535, MedGen C0346153, MONDO:0016419, OMIM 114480. Disease mechanism: loss of function.

Submissions (2):

Myriad Genetics, Inc.
Classification: Pathogenic for Familial cancer of breast. Last evaluated: 2023-06-22. Review status: criteria provided, single submitter. Criteria: Myriad Autosomal Dominant, Autosomal Recessive and X-Linked Classification Criteria (2023). Collection method: clinical testing. Allele origin: unknown.
Comment: This variant is considered pathogenic. This variant creates a frameshift predicted to result in premature protein truncation.

Labcorp Genetics (formerly Invitae), Labcorp
Classification: Pathogenic for Familial cancer of breast. Last evaluated: 2019-01-31. Review status: criteria provided, single submitter. Criteria: Invitae Variant Classification Sherloc (09022015). Collection method: clinical testing. Allele origin: germline.
Comment: Loss-of-function variants in CHEK2 are known to be pathogenic (PMID: 21876083, 24713400). For these reasons, this variant has been classified as Pathogenic. This variant has not been reported in the literature in individuals with CHEK2-related conditions. This sequence change creates a premature translational stop signal (p.Thr65Serfs*11) in the CHEK2 gene. It is expected to result in an absent or disrupted protein product. This variant is not present in population databases (ExAC no frequency).

Literature cited by the submitters: PubMed 21876083 (cited by Labcorp Genetics (formerly Invitae), Labcorp); PubMed 24713400 (cited by Labcorp Genetics (formerly Invitae), Labcorp).